The following is an entry in ClinVar:

ClinVar aggregate classification (germline): Uncertain significance (1 of 4 stars; one submission).

Conditions:
VCAN-related disorder. Also called: VCAN-related condition.

gnomAD v4.1: 32 of 1,613,858 alleles (0.002%); highest among the groups gnomAD compares: Non-Finnish European, 0.0016%; no homozygotes.

Submission:

PreventionGenetics, part of Exact Sciences
Classification: Uncertain significance for VCAN-related condition. Last evaluated: 2026-06-02. Review status: criteria provided, single submitter. Criteria: ACMG Guidelines, 2015. Collection method: clinical testing. Allele origin: germline.
Comment: The VCAN c.2003T>C variant is predicted to result in the amino acid substitution p.Ile668Thr. To our knowledge, this variant has not been reported in the literature. This variant is reported in 0.0093% of alleles in individuals of European (Finnish) descent in gnomAD. At this time, the clinical significance of this variant is uncertain due to the absence of conclusive functional and genetic evidence.

NM_004385.5(VCAN):c.2003T>C (p.Ile668Thr)

Gene: VCAN (versican; plus strand). Cytogenetic location: 5q14.3.
Variant type: single nucleotide variant.
Coding change: c.2003T>C on transcript NM_004385.5 (MANE Select); coding-DNA position 2003, T replaced by C.
Protein change: p.Ile668Thr; replaces isoleucine 668 with threonine.
Molecular consequence: missense variant. On other transcripts: intron variant (2).
Genome position (GRCh38, 1-based): chr5:83,520,309, T>C. VCF-style: chr5-83520309-T-C. GRCh37 (hg19) VCF-style: chr5-82816128-T-C.
Other names: c.2003T>C, p.Ile668Thr (NM_001164098.2); c.1042+7913T>C (NM_001164097.2, NM_001126336.3); short protein forms I668T.
Identifiers: ClinVar variation 4984506 (VCV004984506.1).